The following is an entry in ClinVar:

NM_002049.4(GATA1):c.758G>A (p.Arg253Gln)

Gene: GATA1 (GATA binding protein 1; plus strand). Cytogenetic location: Xp11.23.
Variant type: single nucleotide variant.
Coding change: c.758G>A on transcript NM_002049.4 (MANE Select); coding-DNA position 758, G replaced by A.
Protein change: p.Arg253Gln; replaces arginine 253 with glutamine.
Molecular consequence: missense variant.
Genome position (GRCh38, 1-based): chrX:48,793,185, G>A. VCF-style: chrX-48793185-G-A. GRCh37 (hg19) VCF-style: chrX-48651592-G-A.
Other names: short protein forms R253Q.
Identifiers: ClinVar variation 3763780 (VCV003763780.2).

ClinVar aggregate classification (germline): Uncertain significance (1 of 4 stars; one submission).

Conditions:
GATA binding protein 1 related thrombocytopenia with dyserythropoiesis. Also called: GATA1-Related X-Linked Cytopenia; GATA1-Related Cytopenia. Identifiers: MedGen C1845837, MONDO:0100089.
Diamond-Blackfan anemia. Also called: Blackfan Diamond syndrome; Aregenerative anemia chronic congenital; Red cell aplasia, pure hereditary; Congenital hypoplastic anemia; Aase syndrome. Identifiers: Orphanet 124, MedGen C1260899, MeSH D029503, MONDO:0015253, HP:0004810.

gnomAD v4.1: 1 of 1,209,420 alleles (0.000083%); highest among the groups gnomAD compares: Non-Finnish European, 0.00011%; no homozygotes.

Submission:

Labcorp Genetics (formerly Invitae), Labcorp
Classification: Uncertain significance for GATA binding protein 1 related thrombocytopenia with dyserythropoiesis; Diamond-Blackfan anemia. Last evaluated: 2024-06-17. Review status: criteria provided, single submitter. Criteria: Invitae Variant Classification Sherloc (09022015). Collection method: clinical testing. Allele origin: germline.
Comment: This sequence change replaces arginine, which is basic and polar, with glutamine, which is neutral and polar, at codon 253 of the GATA1 protein (p.Arg253Gln). This variant is present in population databases (rs781928506, gnomAD 0.001%), including at least one homozygous and/or hemizygous individual. This variant has not been reported in the literature in individuals affected with GATA1-related conditions. Advanced modeling of protein sequence and biophysical properties (such as structural, functional, and spatial information, amino acid conservation, physicochemical variation, residue mobility, and thermodynamic stability) performed at Invitae indicates that this missense variant is expected to disrupt GATA1 protein function with a positive predictive value of 80%. In summary, the available evidence is currently insufficient to determine the role of this variant in disease. Therefore, it has been classified as a Variant of Uncertain Significance.